The following is an entry in ClinVar:

NM_030962.4(SBF2):c.3125C>T (p.Thr1042Ile)

Genes: SBF2 (SET binding factor 2; minus strand), LOC101928008 (uncharacterized LOC101928008; plus strand). Cytogenetic location: 11p15.4.
Variant type: single nucleotide variant.
Coding change: c.3125C>T on transcript NM_030962.4 (MANE Select); coding-DNA position 3125, C replaced by T.
Protein change: p.Thr1042Ile; replaces threonine 1042 with isoleucine.
Molecular consequence: missense variant.
Genome position (GRCh38, 1-based): chr11:9,842,756, G>A on the plus strand (C>T on the coding strand, the complement: SBF2 is on the minus strand). VCF-style: chr11-9842756-G-A. GRCh37 (hg19) VCF-style: chr11-9864303-G-A.
Other names: c.3125C>T, p.Thr1042Ile (NM_001386339.1); c.2996C>T, p.Thr999Ile (NM_001386342.1); short protein forms T1042I, T999I.
Identifiers: ClinVar variation 864480 (VCV000864480.10), dbSNP rs1856252791, ClinGen allele CA379631161.
Genomic context (GRCh38, chr11:9,842,756, plus strand): 5'-TTCAGTAAATATTGCCGCCCAATTGTCATTTTCCCTGCCCTTTTGGCACCTTTCACAATT[G>A]TTTTTGAGAAGGTACTACAAGTCATAAAACCAAAGAGAATGTCAACTTAATATAAAAGCA-3'
Protein context (NP_112224.1, residues 1032-1052): KNTSFRTFSK[Thr1042Ile]IVKGAKRAGK

ClinVar aggregate classification (germline): Uncertain significance (1 of 4 stars; one submission).

Conditions:
Charcot-Marie-Tooth disease type 4. Also called: Charcot-Marie-Tooth disease, type IV; Charcot-Marie-Tooth, Type 4. Identifiers: Orphanet 64749, MedGen C4082197, MONDO:0018995.

Allele frequency attached by ClinVar (database versions not stated): TOPMed 0.00001.

Submission:

Labcorp Genetics (formerly Invitae), Labcorp
Classification: Uncertain significance for Charcot-Marie-Tooth disease type 4. Last evaluated: 2019-12-15. Review status: criteria provided, single submitter. Criteria: Invitae Variant Classification Sherloc (09022015). Collection method: clinical testing. Allele origin: germline.
Comment: This sequence change replaces threonine with isoleucine at codon 1042 of the SBF2 protein (p.Thr1042Ile). The threonine residue is moderately conserved and there is a moderate physicochemical difference between threonine and isoleucine. This variant is not present in population databases (ExAC no frequency). This variant has not been reported in the literature in individuals with SBF2-related conditions. Algorithms developed to predict the effect of missense changes on protein structure and function are either unavailable or do not agree on the potential impact of this missense change (SIFT: "Deleterious"; PolyPhen-2: "Possibly Damaging"; Align-GVGD: "Class C0"). In summary, the available evidence is currently insufficient to determine the role of this variant in disease. Therefore, it has been classified as a Variant of Uncertain Significance.